The following is an entry in ClinVar:

ClinVar aggregate classification (germline): Benign (1 of 4 stars; one submission).

Submission:

CeGaT Center for Human Genetics Tuebingen
Classification: Benign. Last evaluated: 2026-05-01. Review status: criteria provided, single submitter. Criteria: CeGaT Center For Human Genetics Tuebingen Variant Classification Criteria Version 2. Collection method: clinical testing. Allele origin: germline. Affected: yes. Observed: 1 variant allele.
Comment: ENSG00000284931: BS1, BS2; HBG1: BS1, BS2

NC_000011.10:g.5250124G>A

Genes: HBG1 (hemoglobin subunit gamma 1; minus strand), LOC106099064 (HBG1 recombination region; plus strand). Cytogenetic location: 11p15.4.
Variant type: single nucleotide variant.
Genome position: GRCh38 VCF-style: chr11-5250124-G-A. GRCh37 (hg19) VCF-style: chr11-5271354-G-A.
Identifiers: ClinVar variation 4873462 (VCV004873462.2).